The following is an entry in ClinVar:

NM_007357.3(COG2):c.872G>A (p.Arg291Gln)

Gene: COG2 (component of oligomeric golgi complex 2; plus strand). Cytogenetic location: 1q42.2.
Variant type: single nucleotide variant.
Coding change: c.872G>A on transcript NM_007357.3 (MANE Select); coding-DNA position 872, G replaced by A.
Protein change: p.Arg291Gln; replaces arginine 291 with glutamine.
Molecular consequence: missense variant.
Genome position (GRCh38, 1-based): chr1:230,671,613, G>A. VCF-style: chr1-230671613-G-A. GRCh37 (hg19) VCF-style: chr1-230807359-G-A.
Other names: c.872G>A, p.Arg291Gln (NM_001145036.2); short protein forms R291Q.
Identifiers: ClinVar variation 2063121 (VCV002063121.3), dbSNP rs199855667, ClinGen allele CA1447563.
Genomic context (GRCh38, chr1:230,671,613, plus strand): 5'-GCCTTCAGGTCATGTATAATAAACTCCTGGAGTTTGTTCCTCACCATTGCCGCCTTCTTC[G>A]AGAAGTCACAGGAGGTGCCATCTCCAGGTAATTTAAACAACCCTGTGTGGACCCCCACCT-3'
Protein context (NP_031383.1, residues 281-301): EFVPHHCRLL[Arg291Gln]EVTGGAISSE

ClinVar aggregate classification (germline): Uncertain significance (1 of 4 stars; one submission).

Conditions:
Congenital disorder of glycosylation, type IIq. Also called: CDG IIq. Identifiers: Orphanet 435934, MedGen C4479353, MONDO:0054559, OMIM 617395.

Allele frequency attached by ClinVar (database versions not stated): ExAC 0.00001; gnomAD exomes 0.00005; gnomAD 0.00007; TOPMed 0.00008.
gnomAD v4.1: 90 of 1,613,630 alleles (0.0056%); highest among the groups gnomAD compares: Middle Eastern, 0.017%; no homozygotes.

Submission:

Labcorp Genetics (formerly Invitae), Labcorp
Classification: Uncertain significance for Congenital disorder of glycosylation, type IIq. Last evaluated: 2024-03-14. Review status: criteria provided, single submitter. Criteria: Invitae Variant Classification Sherloc (09022015). Collection method: clinical testing. Allele origin: germline.
Comment: This sequence change replaces arginine, which is basic and polar, with glutamine, which is neutral and polar, at codon 291 of the COG2 protein (p.Arg291Gln). This variant is present in population databases (rs199855667, gnomAD 0.06%). This variant has not been reported in the literature in individuals affected with COG2-related conditions. ClinVar contains an entry for this variant (Variation ID: 2063121). Advanced modeling of protein sequence and biophysical properties (such as structural, functional, and spatial information, amino acid conservation, physicochemical variation, residue mobility, and thermodynamic stability) performed at Invitae indicates that this missense variant is not expected to disrupt COG2 protein function with a negative predictive value of 80%. In summary, the available evidence is currently insufficient to determine the role of this variant in disease. Therefore, it has been classified as a Variant of Uncertain Significance.